The following is an entry in ClinVar:

NM_001195263.2(PDZD7):c.159G>C (p.Gly53=)

Gene: PDZD7 (PDZ domain containing 7; minus strand). Cytogenetic location: 10q24.31.
Variant type: single nucleotide variant.
Coding change: c.159G>C on transcript NM_001195263.2 (MANE Select); coding-DNA position 159, G replaced by C.
Protein change: p.Gly53=; no amino-acid change (glycine 53 retained).
Molecular consequence: synonymous variant.
Genome position (GRCh38, 1-based): chr10:101,030,061, C>G on the plus strand (G>C on the coding strand, the complement: PDZD7 is on the minus strand). VCF-style: chr10-101030061-C-G. GRCh37 (hg19) VCF-style: chr10-102789818-C-G.
Other names: c.159G>C, p.Gly53= (NM_001351044.2, NM_024895.5).
Identifiers: ClinVar variation 46209 (VCV000046209.21), dbSNP rs78072468, ClinGen allele CA137877.

ClinVar aggregate classification (germline): Benign. Review status: criteria provided, multiple submitters, no conflicts (2 of 4 stars). 6 submissions from 6 submitters: Benign (5). 1 of the submissions does not count toward it. Last evaluated 2026-02-01.

Conditions:
PDZD7-related disorder. Also called: PDZD7-related disorders; PDZD7-related condition.

Allele frequency attached by ClinVar (database versions not stated): TOPMed 0.00935; 1000 Genomes Project 30x 0.01296; 1000 Genomes Project 0.01238; ESP Exome Variant Server 0.00630; gnomAD 0.00899.
gnomAD v4.1: 2,715 of 1,612,668 alleles (0.17%); highest among the groups gnomAD compares: African/African-American, 3%; 38 homozygotes.

Submissions (6):

Labcorp Genetics (formerly Invitae), Labcorp
Classification: Benign. Last evaluated: 2026-02-01. Review status: criteria provided, single submitter. Criteria: Invitae Variant Classification Sherloc (09022015). Collection method: clinical testing. Allele origin: germline.

GeneDx
Classification: Benign. Last evaluated: 2020-03-05. Review status: criteria provided, single submitter. Criteria: GeneDx Variant Classification Process June 2021. Collection method: clinical testing. Allele origin: germline. Affected: yes.

Athena Diagnostics
Classification: Benign. Last evaluated: 2018-05-24. Review status: criteria provided, single submitter. Criteria: Athena Diagnostics Criteria. Collection method: clinical testing. Allele origin: germline.

Laboratory for Molecular Medicine, Mass General Brigham Personalized Medicine
Classification: Benign. Last evaluated: 2012-04-30. Review status: criteria provided, single submitter. Criteria: LMM Criteria. Collection method: clinical testing. Allele origin: germline. Observed: 2 variant alleles.
Comment: Gly53Gly in Exon 02 of PDZD7: This variant is not expected to have clinical sign ificance because it does not alter an amino acid residue, is not located within the splice consensus sequence, and has been identified in 2.0% (74/3738) of Afri can American chromosomes from a broad population by the NHLBI Exome Sequencing P roject (dbSNP rs78072468).

Breakthrough Genomics
Classification: Benign. Review status: criteria provided, single submitter. Criteria: ACMG Guidelines, 2015. Collection method: not provided. Allele origin: germline. Inheritance: Autosomal recessive inheritance. Affected: yes.

PreventionGenetics, part of Exact Sciences
Classification: Benign for PDZD7-related condition. Last evaluated: 2019-07-04. Review status: no assertion criteria provided. Collection method: clinical testing. Allele origin: germline. Not counted in ClinVar's aggregate classification.
Comment: This variant is classified as benign based on ACMG/AMP sequence variant interpretation guidelines (Richards et al. 2015 PMID: 25741868, with internal and published modifications).